The following is an entry in ClinVar:

ClinVar aggregate classification (germline): Uncertain significance (1 of 4 stars; one submission).

Conditions:
Charcot-Marie-Tooth disease dominant intermediate F. Identifiers: Orphanet 352670, MedGen C4749463, MONDO:0014074, OMIM 615185.

Submission:

Labcorp Genetics (formerly Invitae), Labcorp
Classification: Uncertain significance for Charcot-Marie-Tooth disease dominant intermediate F. Last evaluated: 2023-04-30. Review status: criteria provided, single submitter. Criteria: Invitae Variant Classification Sherloc (09022015). Collection method: clinical testing. Allele origin: unknown.
Comment: In summary, the available evidence is currently insufficient to determine the role of this variant in disease. Therefore, it has been classified as a Variant of Uncertain Significance. Experimental studies and prediction algorithms are not available or were not evaluated, and the functional significance of this variant is currently unknown. This variant has not been reported in the literature in individuals affected with GNB4-related conditions. This variant results in a copy number gain of the genomic region encompassing exon(s) 2-3 of the GNB4 gene. This region includes the initiator codon of the gene. This copy number gain extends beyond the assayed region for this gene and therefore may encompass additional genes. As the precise location of this event is unknown, it may be in tandem or it may be located elsewhere in the genome.

NC_000003.11:g.(?_179138657)_(179143988_?)dup

Gene: GNB4 (G protein subunit beta 4; minus strand). Cytogenetic location: 3q26.33.
Variant type: Duplication.
Identifiers: ClinVar variation 3246925 (VCV003246925.1).